The following is an entry in ClinVar:

NM_025114.4(CEP290):c.7015del (p.Arg2339fs)

Gene: CEP290 (centrosomal protein 290; minus strand). Cytogenetic location: 12q21.32.
Variant type: Deletion.
Coding change: c.7015del on transcript NM_025114.4 (MANE Select); coding-DNA position 7015, one base deleted (C; older notation c.7015delC).
Protein change: p.Arg2339fs; shifts the reading frame from arginine 2339.
Molecular consequence: frameshift variant.
Genome position (GRCh38, 1-based): chr12:88,054,359, G deleted on the plus strand (C on the coding strand, the reverse complement: CEP290 is on the minus strand). VCF-style (leftmost placement, unchanged base first): chr12-88054358-CG-C. GRCh37 (hg19) VCF-style: chr12-88448135-CG-C.
Other names: short protein forms R2339fs.
Identifiers: ClinVar variation 2950089 (VCV002950089.3), dbSNP rs2499444567, ClinGen allele CA2740092441.

ClinVar aggregate classification (germline): Pathogenic (1 of 4 stars; one submission).

Conditions:
Joubert syndrome. Also called: CEREBELLOPARENCHYMAL DISORDER IV; JOUBERT-BOLTSHAUSER SYNDROME; Familial aplasia of the vermis. Identifiers: Orphanet 475, MedGen C5979921, MONDO:0018772.
Nephronophthisis. Also called: Juvenile Nephronophthisis. Identifiers: Orphanet 655, MedGen C0687120, MONDO:0019005, HP:0000090.
Meckel-Gruber syndrome. Also called: DYSENCEPHALIA SPLANCHNOCYSTICA; GRUBER SYNDROME; Dysencephalia splachnocystica. Identifiers: Orphanet 564, MedGen C0265215, MONDO:0018921.

Submission:

Labcorp Genetics (formerly Invitae), Labcorp
Classification: Pathogenic for Joubert syndrome; Meckel-Gruber syndrome; Nephronophthisis. Last evaluated: 2023-07-19. Review status: criteria provided, single submitter. Criteria: Invitae Variant Classification Sherloc (09022015). Collection method: clinical testing. Allele origin: germline.
Comment: This sequence change creates a premature translational stop signal (p.Arg2339Glyfs*8) in the CEP290 gene. It is expected to result in an absent or disrupted protein product. Loss-of-function variants in CEP290 are known to be pathogenic (PMID: 16909394, 17345604, 20690115). This variant is not present in population databases (gnomAD no frequency). This variant has not been reported in the literature in individuals affected with CEP290-related conditions. Algorithms developed to predict the effect of sequence changes on RNA splicing suggest that this variant may disrupt the consensus splice site. For these reasons, this variant has been classified as Pathogenic.

Literature cited by the submitters: PubMed 16909394; PubMed 17345604; PubMed 20690115.